The following is an entry in ClinVar:

ClinVar aggregate classification (germline): Uncertain significance (1 of 4 stars; one submission).

Submission:

Labcorp Genetics (formerly Invitae), Labcorp
Classification: Uncertain significance. Last evaluated: 2024-08-12. Review status: criteria provided, single submitter. Criteria: Invitae Variant Classification Sherloc (09022015). Collection method: clinical testing. Allele origin: germline.
Comment: This sequence change falls in intron 5 of the TGM6 gene. It does not directly change the encoded amino acid sequence of the TGM6 protein. It affects a nucleotide within the consensus splice site. This variant is not present in population databases (gnomAD no frequency). This variant has not been reported in the literature in individuals affected with TGM6-related conditions. Variants that disrupt the consensus splice site are a relatively common cause of aberrant splicing (PMID: 17576681, 9536098). Algorithms developed to predict the effect of sequence changes on RNA splicing suggest that this variant is not likely to affect RNA splicing. In summary, the available evidence is currently insufficient to determine the role of this variant in disease. Therefore, it has been classified as a Variant of Uncertain Significance.

Literature cited by the submitters: PubMed 17576681; PubMed 9536098.

NM_198994.3(TGM6):c.673-3C>T

Gene: TGM6 (transglutaminase 6; plus strand). Cytogenetic location: 20p13.
Variant type: single nucleotide variant.
Coding change: c.673-3C>T on transcript NM_198994.3 (MANE Select); 3 bases into the intron before coding-DNA position 673, C replaced by T.
Molecular consequence: intron variant.
Genome position (GRCh38, 1-based): chr20:2,399,558, C>T. VCF-style: chr20-2399558-C-T. GRCh37 (hg19) VCF-style: chr20-2380204-C-T.
Other names: c.673-3C>T (NM_001254734.2).
Identifiers: ClinVar variation 3661492 (VCV003661492.2).